The following is an entry in ClinVar:

NM_001206927.2(DNAH8):c.12190A>T (p.Ile4064Phe)

Genes: DNAH8 (dynein axonemal heavy chain 8; plus strand), DNAH8-AS1 (DNAH8 antisense RNA 1; minus strand). Cytogenetic location: 6p21.2.
Variant type: single nucleotide variant.
Coding change: c.12190A>T on transcript NM_001206927.2 (MANE Select); coding-DNA position 12190, A replaced by T.
Protein change: p.Ile4064Phe; replaces isoleucine 4064 with phenylalanine.
Molecular consequence: missense variant.
Genome position (GRCh38, 1-based): chr6:38,949,512, A>T. VCF-style: chr6-38949512-A-T. GRCh37 (hg19) VCF-style: chr6-38917288-A-T.
Other names: c.11539A>T, p.Ile3847Phe (NM_001371.4); c.12190A>T (NM_001206927.1); short protein forms I3847F, I4064F.
Identifiers: ClinVar variation 1463528 (VCV001463528.7), dbSNP rs1583435965, ClinGen allele CA363994492.

ClinVar aggregate classification (germline): Uncertain significance. Review status: criteria provided, multiple submitters, no conflicts (2 of 4 stars). 2 submissions from 2 submitters: Uncertain significance (2). Last evaluated 2023-06-02.

Conditions:
Primary ciliary dyskinesia. Also called: Ciliary dyskinesia. Identifiers: Orphanet 244, MedGen C0008780, MONDO:0016575, HP:0012265.

gnomAD v4.1: 2 of 1,613,532 alleles (0.00012%); no homozygotes.

Submissions (2):

Ambry Genetics
Classification: Uncertain significance. Last evaluated: 2023-06-02. Review status: criteria provided, single submitter. Criteria: Ambry Variant Classification Scheme 2023. Collection method: clinical testing. Allele origin: germline.

Labcorp Genetics (formerly Invitae), Labcorp
Classification: Uncertain significance for Primary ciliary dyskinesia. Last evaluated: 2022-08-23. Review status: criteria provided, single submitter. Criteria: Invitae Variant Classification Sherloc (09022015). Collection method: clinical testing. Allele origin: germline.
Comment: This sequence change replaces isoleucine, which is neutral and non-polar, with phenylalanine, which is neutral and non-polar, at codon 4064 of the DNAH8 protein (p.Ile4064Phe). This variant is not present in population databases (gnomAD no frequency). This variant has not been reported in the literature in individuals affected with DNAH8-related conditions. ClinVar contains an entry for this variant (Variation ID: 1463528). Algorithms developed to predict the effect of missense changes on protein structure and function are either unavailable or do not agree on the potential impact of this missense change (SIFT: "Deleterious"; PolyPhen-2: "Not Available"; Align-GVGD: "Class C0"). In summary, the available evidence is currently insufficient to determine the role of this variant in disease. Therefore, it has been classified as a Variant of Uncertain Significance.